The following is an entry in ClinVar:

NM_020884.7(MYH7B):c.2812G>T (p.Glu938Ter)

Gene: MYH7B (myosin heavy chain 7B; plus strand). Cytogenetic location: 20q11.22.
Variant type: single nucleotide variant.
Coding change: c.2812G>T on transcript NM_020884.7 (MANE Select); coding-DNA position 2812, G replaced by T.
Protein change: p.Glu938Ter; replaces glutamic acid 938 with a stop codon.
Molecular consequence: nonsense.
Genome position (GRCh38, 1-based): chr20:34,995,447, G>T. VCF-style: chr20-34995447-G-T. GRCh37 (hg19) VCF-style: chr20-33583250-G-T.
Other names: short protein forms E938*.
Identifiers: ClinVar variation 3251994 (VCV003251994.1), dbSNP rs2519203450.

ClinVar aggregate classification (germline): Likely pathogenic (1 of 4 stars; one submission).

Conditions:
Hypertrophic cardiomyopathy. Also called: HYPERTROPHIC MYOCARDIOPATHY. Identifiers: Orphanet 217569, MedGen C0007194, MeSH D002312, MONDO:0005045, HP:0001639.
Dilated cardiomyopathy with left ventricular noncompaction. Identifiers: MedGen C1853863, MeSH C565277.

Submission:

Diagnostics Services (NGS), CSIR - Centre For Cellular And Molecular Biology
Classification: Likely pathogenic for Hypertrophic cardiomyopathy; Dilated cardiomyopathy with left ventricular noncompaction. Last evaluated: 2024-03-13. Review status: criteria provided, single submitter. Criteria: ACMG Guidelines, 2015. Collection method: clinical testing. Allele origin: unknown. Observed: 1 variant allele, 1 heterozygote.
Comment: The c.2938G>T variant is not present in publicly available population databases like 1000 Genomes, EVS, ExAC, gnomAD, Indian Exome Database and our in-house exome database. This variant has neither been published in literature with MYH7B-related conditions nor reported to clinical databases like in ClinVar, Human Gene Mutation Database (HGMD) or OMIM, in any affected individuals. In-silico pathogenicity prediction programs like MutationTaster2, CADD, Varsome, Franklin etc predicted this variant to be likely deleterious. This variant creates a premature translational stop signal at the 980th amino acid position of the wild-type transcript that may either result in translation of a truncated protein or cause nonsense mediated decay of the mRNA.

Literature cited by the submitters: PubMed 32207065; PubMed 16938236; PubMed 23800289.